The following is an entry in ClinVar:

NM_000289.6(PFKM):c.1043T>C (p.Leu348Pro)

Gene: PFKM (phosphofructokinase, muscle; plus strand). Cytogenetic location: 12q13.11.
Variant type: single nucleotide variant.
Coding change: c.1043T>C on transcript NM_000289.6 (MANE Select); coding-DNA position 1043, T replaced by C.
Protein change: p.Leu348Pro; replaces leucine 348 with proline.
Molecular consequence: missense variant. On other transcripts: non-coding transcript variant (6), intron variant (1).
Genome position (GRCh38, 1-based): chr12:48,137,827, T>C. VCF-style: chr12-48137827-T-C. GRCh37 (hg19) VCF-style: chr12-48531610-T-C.
Other names: c.1256T>C, p.Leu419Pro (NM_001166686.2, NM_001354737.1, NM_001354738.1 and 1 more transcripts); c.1043T>C, p.Leu348Pro (NM_001166687.2, NM_001166688.2, NM_001354742.2 and 2 more transcripts); c.1352T>C, p.Leu451Pro (NM_001354735.1, NM_001354736.1); c.1187T>C, p.Leu396Pro (NM_001354740.1); c.1067T>C, p.Leu356Pro (NM_001354741.2); c.956T>C, p.Leu319Pro (NM_001354745.2); c.893T>C, p.Leu298Pro (NM_001354747.2, NM_001354748.2); c.950T>C, p.Leu317Pro (NM_001363619.2); and 1 more; short protein forms L298P, L317P, L319P, L348P, L356P, L396P, L419P, L451P.
Identifiers: ClinVar variation 1330714 (VCV001330714.11), dbSNP rs1203659685, ClinGen allele CA384547453.

ClinVar aggregate classification (germline): Uncertain significance. Review status: criteria provided, multiple submitters, no conflicts (2 of 4 stars). 2 submissions from 2 submitters: Uncertain significance (2). Last evaluated 2021-09-17.

Conditions:
Glycogen storage disease, type VII (GSD7). Also called: GSD VII; MUSCLE PHOSPHOFRUCTOKINASE DEFICIENCY; TARUI DISEASE; PFKM DEFICIENCY. Identifiers: Orphanet 371, MedGen C0017926, MONDO:0009295, OMIM 232800.

Allele frequency attached by ClinVar (database versions not stated): gnomAD exomes below 0.00001; TOPMed below 0.00001; gnomAD 0.00001.
gnomAD v4.1: 5 of 1,614,058 alleles (0.00031%); highest among the groups gnomAD compares: Non-Finnish European, 0.00042%; no homozygotes.

Submissions (2):

Labcorp Genetics (formerly Invitae), Labcorp
Classification: Uncertain significance for Glycogen storage disease, type VII. Last evaluated: 2021-09-17. Review status: criteria provided, single submitter. Criteria: Invitae Variant Classification Sherloc (09022015). Collection method: clinical testing. Allele origin: germline.
Comment: This sequence change replaces leucine with proline at codon 348 of the PFKM protein (p.Leu348Pro). The leucine residue is highly conserved and there is a moderate physicochemical difference between leucine and proline. This variant is not present in population databases (ExAC no frequency). This variant has not been reported in the literature in individuals with PFKM-related conditions. Algorithms developed to predict the effect of missense changes on protein structure and function are either unavailable or do not agree on the potential impact of this missense change (SIFT: "Deleterious"; PolyPhen-2: "Probably Damaging"; Align-GVGD: "Class C0"). In summary, the available evidence is currently insufficient to determine the role of this variant in disease. Therefore, it has been classified as a Variant of Uncertain Significance.

ARUP Laboratories, Molecular Genetics and Genomics, ARUP Laboratories
Classification: Uncertain significance for Glycogen storage disease, type VII. Last evaluated: 2021-05-07. Review status: criteria provided, single submitter. Criteria: ARUP Molecular Germline Variant Investigation Process 2021. Collection method: clinical testing. Allele origin: germline.